The following is an entry in ClinVar:

NM_000426.4(LAMA2):c.2950C>T (p.Gln984Ter)

Gene: LAMA2 (laminin subunit alpha 2; plus strand). Cytogenetic location: 6q22.33.
Variant type: single nucleotide variant.
Coding change: c.2950C>T on transcript NM_000426.4 (MANE Select); coding-DNA position 2950, C replaced by T.
Protein change: p.Gln984Ter; replaces glutamine 984 with a stop codon.
Molecular consequence: nonsense.
Genome position (GRCh38, 1-based): chr6:129,297,778, C>T. VCF-style: chr6-129297778-C-T. GRCh37 (hg19) VCF-style: chr6-129618923-C-T.
Other names: c.2950C>T, p.Gln984Ter (NM_001079823.2); short protein forms Q984*.
Identifiers: ClinVar variation 983632 (VCV000983632.4), dbSNP rs1773282962, ClinGen allele CA365611103.

ClinVar aggregate classification (germline): Likely pathogenic (1 of 4 stars; one submission).

Conditions:
LAMA2-related muscular dystrophy (LAMA2-RD). Also called: Laminin alpha 2-related dystrophy. Identifiers: MedGen C5679788, MONDO:0100228.

Submission:

Myriad Genetics, Inc.
Classification: Likely pathogenic for LAMA2-related muscular dystrophy. Last evaluated: 2019-05-19. Review status: criteria provided, single submitter. Criteria: Myriad Autosomal Dominant, Autosomal Recessive and X-Linked Classification Criteria (2023). Collection method: clinical testing. Allele origin: unknown.
Comment: NM_000426.3(LAMA2):c.2950C>T(Q984*) is expected to be pathogenic in the context of LAMA2-related muscular dystrophy. This variant is predicted to lead to an abnormal or absent protein product due to the creation of a premature termination codon in LAMA2, a gene where loss-of-function variants are known to be pathogenic. Please note: this variant was assessed in the context of healthy population screening.